The following is an entry in ClinVar:

NM_170682.4(P2RX2):c.62G>A (p.Cys21Tyr)

Gene: P2RX2 (purinergic receptor P2X 2; plus strand). Cytogenetic location: 12q24.33.
Variant type: single nucleotide variant.
Coding change: c.62G>A on transcript NM_170682.4 (MANE Select); coding-DNA position 62, G replaced by A.
Protein change: p.Cys21Tyr; replaces cysteine 21 with tyrosine.
Molecular consequence: missense variant.
Genome position (GRCh38, 1-based): chr12:132,618,878, G>A. VCF-style: chr12-132618878-G-A. GRCh37 (hg19) VCF-style: chr12-133195464-G-A.
Other names: c.62G>A, p.Cys21Tyr (NM_001282164.2, NM_001282165.2, NM_012226.5 and 4 more transcripts); short protein forms C21Y.
Identifiers: ClinVar variation 737145 (VCV000737145.15), dbSNP rs571646540, ClinGen allele CA6891315.

ClinVar aggregate classification (germline): Benign/Likely benign. Review status: criteria provided, multiple submitters, no conflicts (2 of 4 stars). 4 submissions from 4 submitters: Benign (2); Likely benign (1). 1 of the submissions does not count toward it. Last evaluated 2025-11-08.

Conditions:
P2RX2-related disorder. Also called: P2RX2-related condition.

Allele frequency attached by ClinVar (database versions not stated): gnomAD below 0.00001 and 0.00040; TOPMed 0.00006; gnomAD exomes 0.00048 and 0.00111; ExAC 0.00149; 1000 Genomes Project 30x 0.00406; 1000 Genomes Project 0.00439.

Submissions (4):

Labcorp Genetics (formerly Invitae), Labcorp
Classification: Benign. Last evaluated: 2025-11-08. Review status: criteria provided, single submitter. Criteria: Invitae Variant Classification Sherloc (09022015). Collection method: clinical testing. Allele origin: germline.

Blueprint Genetics
Classification: Benign. Last evaluated: 2024-11-18. Review status: criteria provided, single submitter. Criteria: ACMG Guidelines, 2015. Collection method: clinical testing. Allele origin: germline.

GeneDx
Classification: Likely benign. Last evaluated: 2022-11-04. Review status: criteria provided, single submitter. Criteria: GeneDx Variant Classification Process June 2021. Collection method: clinical testing. Allele origin: germline. Affected: yes.
Comment: See Variant Classification Assertion Criteria.

PreventionGenetics, part of Exact Sciences
Classification: Benign for P2RX2-related condition. Last evaluated: 2019-06-26. Review status: no assertion criteria provided. Collection method: clinical testing. Allele origin: germline. Not counted in ClinVar's aggregate classification.
Comment: This variant is classified as benign based on ACMG/AMP sequence variant interpretation guidelines (Richards et al. 2015 PMID: 25741868, with internal and published modifications).